The following is an entry in ClinVar:

NM_001379500.1(COL18A1):c.3749T>C (p.Leu1250Pro)

Genes: COL18A1 (collagen type XVIII alpha 1 chain; plus strand), SLC19A1 (solute carrier family 19 member 1; minus strand). Cytogenetic location: 21q22.3.
Variant type: single nucleotide variant.
Coding change: c.3749T>C on transcript NM_001379500.1 (MANE Select); coding-DNA position 3749, T replaced by C.
Protein change: p.Leu1250Pro; replaces leucine 1250 with proline.
Molecular consequence: missense variant.
Genome position (GRCh38, 1-based): chr21:45,511,166, T>C. VCF-style: chr21-45511166-T-C. GRCh37 (hg19) VCF-style: chr21-46931080-T-C.
Other names: c.4280T>C, p.Leu1427Pro (NM_030582.4); c.4985T>C, p.Leu1662Pro (NM_130444.3); short protein forms L1250P, L1427P, L1662P.
Identifiers: ClinVar variation 1357714 (VCV001357714.4), dbSNP rs766085368, ClinGen allele CA10068060.

ClinVar aggregate classification (germline): Uncertain significance. Review status: criteria provided, multiple submitters, no conflicts (2 of 4 stars). 2 submissions from 2 submitters: Uncertain significance (2). Last evaluated 2022-08-31.

Allele frequency attached by ClinVar (database versions not stated): gnomAD exomes 0.00001; ExAC 0.00002; gnomAD 0.00003 and 0.00004.
gnomAD v4.1: 47 of 1,601,634 alleles (0.0029%); highest among the groups gnomAD compares: Non-Finnish European, 0.0037%; no homozygotes.

Submissions (2):

Labcorp Genetics (formerly Invitae), Labcorp
Classification: Uncertain significance. Last evaluated: 2022-08-31. Review status: criteria provided, single submitter. Criteria: Invitae Variant Classification Sherloc (09022015). Collection method: clinical testing. Allele origin: germline.
Comment: This sequence change replaces leucine, which is neutral and non-polar, with proline, which is neutral and non-polar, at codon 1247 of the COL18A1 protein (p.Leu1247Pro). The frequency data for this variant in the population databases is considered unreliable, as metrics indicate poor data quality at this position in the gnomAD database. This variant has not been reported in the literature in individuals affected with COL18A1-related conditions. ClinVar contains an entry for this variant (Variation ID: 1357714). Experimental studies and prediction algorithms are not available or were not evaluated, and the functional significance of this variant is currently unknown. In summary, the available evidence is currently insufficient to determine the role of this variant in disease. Therefore, it has been classified as a Variant of Uncertain Significance.

Blueprint Genetics
Classification: Uncertain significance. Last evaluated: 2022-03-30. Review status: criteria provided, single submitter. Criteria: ACMG Guidelines, 2015. Collection method: clinical testing. Allele origin: germline.